The following is an entry in ClinVar:

NM_020163.3(SEMA3G):c.2225G>A (p.Arg742Gln)

Gene: SEMA3G (semaphorin 3G; minus strand). Cytogenetic location: 3p21.1.
Variant type: single nucleotide variant.
Coding change: c.2225G>A on transcript NM_020163.3 (MANE Select); coding-DNA position 2225, G replaced by A.
Protein change: p.Arg742Gln; replaces arginine 742 with glutamine.
Molecular consequence: missense variant.
Genome position (GRCh38, 1-based): chr3:52,435,727, C>T on the plus strand (G>A on the coding strand, the complement: SEMA3G is on the minus strand). VCF-style: chr3-52435727-C-T. GRCh37 (hg19) VCF-style: chr3-52469743-C-T.
Other names: c.2225G>A (NM_020163.2); short protein forms R742Q.
Identifiers: ClinVar variation 3159750 (VCV003159750.2), dbSNP rs764449391, ClinGen allele CA2437686.

ClinVar aggregate classification (germline): Uncertain significance. Review status: criteria provided, multiple submitters, no conflicts (2 of 4 stars). 2 submissions from 2 submitters: Uncertain significance (2). Last evaluated 2026-07-23.

Conditions:
SEMA3G-related disorder. Also called: SEMA3G-related condition.

Allele frequency attached by ClinVar (database versions not stated): ExAC 0.00001; gnomAD 0.00001; gnomAD exomes 0.00003; TOPMed 0.00003.
gnomAD v4.1: 45 of 1,614,000 alleles (0.0028%); highest among the groups gnomAD compares: East Asian, 0.0067%; no homozygotes.

Submissions (2):

PreventionGenetics, part of Exact Sciences
Classification: Uncertain significance for SEMA3G-related condition. Last evaluated: 2026-07-23. Review status: criteria provided, single submitter. Criteria: ACMG Guidelines, 2015. Collection method: clinical testing. Allele origin: germline.
Comment: The SEMA3G c.2225G>A variant is predicted to result in the amino acid substitution p.Arg742Gln. This variant has been reported as a homozygous variant in a child with nephrotic syndrome (Brix et al. 2022.). This variant is reported in 0.0029% of alleles in individuals of Latino descent in gnomAD. At this time, the clinical significance of this variant is uncertain due to the absence of conclusive functional and genetic evidence.

Ambry Genetics
Classification: Uncertain significance. Last evaluated: 2023-12-31. Review status: criteria provided, single submitter. Criteria: Ambry Variant Classification Scheme 2023. Collection method: clinical testing. Allele origin: germline.